The following is an entry in ClinVar:

ClinVar aggregate classification (germline): Uncertain significance. Review status: criteria provided, multiple submitters, no conflicts (2 of 4 stars). 5 submissions from 5 submitters: Uncertain significance (4). 1 of the submissions does not count toward it. Last evaluated 2022-04-19.

Conditions:
Oculotrichoanal syndrome (MOTA). Also called: MARLES SYNDROME; Manitoba Oculotrichoanal (MOTA) Syndrome. Identifiers: Orphanet 2717, MedGen C1855425, MONDO:0009560, OMIM 248450.
Inborn genetic diseases. Identifiers: MedGen C0950123, MeSH D030342.
Congenital anomaly of kidney and urinary tract. Also called: Congenital anomalies of kidney and urinary tract; Congenital anomalies of the kidney and urinary tract. Identifiers: Orphanet 93545, MedGen C1968949, MeSH C566906, MONDO:0019719.
Chronic kidney disease. Identifiers: MedGen C1561643, MONDO:0005300, HP:0012622.

Allele frequency attached by ClinVar (database versions not stated): ExAC 0.00010; gnomAD exomes 0.00012 and 0.00039; TOPMed 0.00015; ESP Exome Variant Server 0.00016; gnomAD 0.00017 and 0.00019.
gnomAD v4.1: 619 of 1,613,810 alleles (0.038%); highest among the groups gnomAD compares: Non-Finnish European, 0.048%; 1 homozygote.

Submissions (5):

Labcorp Genetics (formerly Invitae), Labcorp
Classification: Uncertain significance. Last evaluated: 2022-04-19. Review status: criteria provided, single submitter. Criteria: Invitae Variant Classification Sherloc (09022015). Collection method: clinical testing. Allele origin: germline.
Comment: This sequence change replaces alanine, which is neutral and non-polar, with glycine, which is neutral and non-polar, at codon 547 of the FREM1 protein (p.Ala547Gly). This variant is present in population databases (rs201056172, gnomAD 0.02%). This variant has not been reported in the literature in individuals affected with FREM1-related conditions. ClinVar contains an entry for this variant (Variation ID: 366157). Algorithms developed to predict the effect of missense changes on protein structure and function are either unavailable or do not agree on the potential impact of this missense change (SIFT: "Tolerated"; PolyPhen-2: "Probably Damaging"; Align-GVGD: "Class C0"). In summary, the available evidence is currently insufficient to determine the role of this variant in disease. Therefore, it has been classified as a Variant of Uncertain Significance.

Ambry Genetics
Classification: Uncertain significance for Inborn genetic diseases. Last evaluated: 2021-07-27. Review status: criteria provided, single submitter. Criteria: Ambry Variant Classification Scheme 2023. Collection method: clinical testing. Allele origin: germline.

Cavalleri Lab, Royal College of Surgeons in Ireland
Classification: Uncertain significance for Chronic kidney disease. Last evaluated: 2020-05-28. Review status: criteria provided, single submitter. Criteria: ACMG Guidelines, 2015. Collection method: research. Allele origin: unknown. Inheritance: Autosomal dominant inheritance. Affected: yes.
Comment: PP3, BS1

Illumina Laboratory Services, Illumina
Classification: Uncertain significance for Oculotrichoanal syndrome. Last evaluated: 2018-01-12. Review status: criteria provided, single submitter. Criteria: ICSL Variant Classification Criteria 13 December 2019. Collection method: clinical testing. Allele origin: germline.

Sydney Genome Diagnostics, Children's Hospital Westmead
Classification: Uncertain significance for Congenital anomaly of kidney and urinary tract. Last evaluated: 2018-02-09. Review status: no assertion criteria provided. Collection method: clinical testing. Allele origin: unknown. Affected: yes. Observed: 1 variant allele, 1 heterozygote. Not counted in ClinVar's aggregate classification.
Comment: To our knowledge, this variant has not been previously reported in the literature or any disease specific databases to be a disease causing variant. This variant has been reported in the gnomAD browser (with a low allele frequency of 0.011% (33 out of 276,800 alleles). In silico analysis of pathogenicity (through Alamut Visual v2.8.1) is inconclusive regarding this change; PolyPhen2 and MutationTaster predicts it to be likely pathogenic whereas SIFT predicts this variant to be benign. This variant is considered to be a variant of uncertain clinical significance (VOUS) according to the ACMG guidelines.

NM_001379081.2(FREM1):c.1640C>G (p.Ala547Gly)

Gene: FREM1 (FRAS1 related extracellular matrix 1; minus strand). Cytogenetic location: 9p22.3.
Variant type: single nucleotide variant.
Coding change: c.1640C>G on transcript NM_001379081.2 (MANE Select); coding-DNA position 1640, C replaced by G.
Protein change: p.Ala547Gly; replaces alanine 547 with glycine.
Molecular consequence: missense variant. On other transcripts: non-coding transcript variant (2).
Genome position (GRCh38, 1-based): chr9:14,842,414, G>C on the plus strand (C>G on the coding strand, the complement: FREM1 is on the minus strand). VCF-style: chr9-14842414-G-C. GRCh37 (hg19) VCF-style: chr9-14842412-G-C.
Other names: c.1640C>G, p.Ala547Gly (NM_144966.7); short protein forms A547G.
Identifiers: ClinVar variation 366157 (VCV000366157.9), dbSNP rs201056172, ClinGen allele CA4991180.